The following is an entry in ClinVar:

NM_000551.4(VHL):c.125A>C (p.Glu42Ala)

Gene: VHL (von Hippel-Lindau tumor suppressor; plus strand). Cytogenetic location: 3p25.3.
Variant type: single nucleotide variant.
Coding change: c.125A>C on transcript NM_000551.4 (MANE Select); coding-DNA position 125, A replaced by C.
Protein change: p.Glu42Ala; replaces glutamic acid 42 with alanine.
Molecular consequence: missense variant.
Genome position (GRCh38, 1-based): chr3:10,141,972, A>C. VCF-style: chr3-10141972-A-C. GRCh37 (hg19) VCF-style: chr3-10183656-A-C.
Other names: c.125A>C, p.Glu42Ala (NM_001354723.2, NM_198156.3); short protein forms E42A.
Identifiers: ClinVar variation 423120 (VCV000423120.18), dbSNP rs1064796244, ClinGen allele CA16617782.

ClinVar aggregate classification (germline): Uncertain significance. Review status: criteria provided, multiple submitters, no conflicts (2 of 4 stars). 5 submissions from 5 submitters: Uncertain significance (5). Last evaluated 2024-09-13.

Conditions:
Chuvash polycythemia. Also called: POLYCYTHEMIA, VHL-DEPENDENT. Identifiers: Orphanet 238557, MedGen C1837915, MONDO:0009892, OMIM 263400.
Von Hippel-Lindau syndrome (VHLS). Also called: VHL syndrome; Von Hippel-Lindau; von Hippel–Lindau syndrome. Identifiers: Orphanet 892, MedGen C0019562, MONDO:0008667, OMIM 193300. Disease mechanism: loss of function.
Hereditary cancer-predisposing syndrome. Also called: Hereditary neoplastic syndrome; Hereditary Cancer Syndrome; Neoplastic Syndromes, Hereditary; Tumor predisposition. Identifiers: Orphanet 140162, MedGen C0027672, MeSH D009386, MONDO:0015356.
Nonpapillary renal cell carcinoma. Identifiers: Orphanet 422526, MedGen CN074294, MONDO:0007763, OMIM 144700.
Pheochromocytoma. Also called: MAX-Related Hereditary Paraganglioma-Pheochromocytoma Syndrome. Identifiers: Orphanet 29072, MedGen C0031511, MONDO:0008233, OMIM 171300, HP:0002666.

Allele frequency attached by ClinVar (database versions not stated): gnomAD exomes below 0.00001.
gnomAD v4.1: 1 of 1,558,662 alleles (0.000064%); highest among the groups gnomAD compares: Non-Finnish European, 0.000087%; no homozygotes.

Submissions (5):

Ambry Genetics
Classification: Uncertain significance for Hereditary cancer-predisposing syndrome. Last evaluated: 2024-09-13. Review status: criteria provided, single submitter. Criteria: Ambry Variant Classification Scheme 2023. Collection method: clinical testing. Allele origin: germline.
Comment: The p.E42A variant (also known as c.125A>C), located in coding exon 1 of the VHL gene, results from an A to C substitution at nucleotide position 125. The glutamic acid at codon 42 is replaced by alanine, an amino acid with dissimilar properties. This amino acid position is well conserved in available vertebrate species. In addition, this alteration is predicted to be tolerated by in silico analysis. Based on the available evidence, the clinical significance of this variant remains unclear.

Labcorp Genetics (formerly Invitae), Labcorp
Classification: Uncertain significance for Von Hippel-Lindau syndrome; Chuvash polycythemia. Last evaluated: 2023-12-11. Review status: criteria provided, single submitter. Criteria: Invitae Variant Classification Sherloc (09022015). Collection method: clinical testing. Allele origin: germline.
Comment: This sequence change replaces glutamic acid, which is acidic and polar, with alanine, which is neutral and non-polar, at codon 42 of the VHL protein (p.Glu42Ala). This variant is not present in population databases (gnomAD no frequency). This variant has not been reported in the literature in individuals affected with VHL-related conditions. ClinVar contains an entry for this variant (Variation ID: 423120). Advanced modeling of protein sequence and biophysical properties (such as structural, functional, and spatial information, amino acid conservation, physicochemical variation, residue mobility, and thermodynamic stability) performed at Invitae indicates that this missense variant is not expected to disrupt VHL protein function with a negative predictive value of 95%. In summary, the available evidence is currently insufficient to determine the role of this variant in disease. Therefore, it has been classified as a Variant of Uncertain Significance.

Baylor Genetics
Classification: Uncertain significance for Chuvash polycythemia. Last evaluated: 2023-08-28. Review status: criteria provided, single submitter. Criteria: ACMG Guidelines, 2015. Collection method: clinical testing. Allele origin: unknown.

Fulgent Genetics
Classification: Uncertain significance for Nonpapillary renal cell carcinoma; Pheochromocytoma; Von Hippel-Lindau syndrome; Chuvash polycythemia. Last evaluated: 2021-07-15. Review status: criteria provided, single submitter. Criteria: ACMG Guidelines, 2015. Collection method: clinical testing. Allele origin: unknown.

GeneDx
Classification: Uncertain significance. Last evaluated: 2017-01-19. Review status: criteria provided, single submitter. Criteria: GeneDx Variant Classification (06012015). Collection method: clinical testing. Allele origin: germline. Affected: yes.
Comment: This variant is denoted VHL c.125A>C at the cDNA level, p.Glu42Ala (E42A) at the protein level, and results in the change of a Glutamic Acid to an Alanine (GAG>GCG). This variant has not, to our knowledge, been published in the literature as pathogenic or benign. VHL Glu42Ala was not observed in approximately 6,000 individuals of European and African American ancestry in the NHLBI Exome Sequencing Project, suggesting it is not a common benign variant in these populations. Since Glutamic Acid and Alanine differ in polarity, charge, size or other properties, this is considered a non-conservative amino acid substitution. VHL Glu42Ala occurs at a position that is not conserved and is located within the 6th repeat of a tandem repeat region (UniProt). In silico analyses are inconsistent regarding the effect this variant may have on protein structure and function. Based on currently available evidence, it is unclear whether VHL Glu42Ala is a pathogenic or benign variant. We consider it to be a variant of uncertain significance.